The following is an entry in ClinVar:

ClinVar aggregate classification (germline): Likely benign (1 of 4 stars; one submission).

Conditions:
DNASE2-related disorder. Also called: DNASE2-related condition.

Submission:

PreventionGenetics, part of Exact Sciences
Classification: Likely benign for DNASE2-related condition. Last evaluated: 2026-01-14. Review status: criteria provided, single submitter. Criteria: ACMG Guidelines, 2015. Collection method: clinical testing. Allele origin: germline.
Comment: This variant is classified as likely benign based on ACMG/AMP sequence variant interpretation guidelines (Richards et al. 2015 PMID: 25741868, with internal and published modifications).

NM_001375.3(DNASE2):c.25C>T (p.Leu9=)

Genes: DNASE2 (deoxyribonuclease 2, lysosomal; minus strand), LOC117125588 (CRISPRi-FlowFISH-validated KLF1 regulatory element 1; plus strand). Cytogenetic location: 19p13.13.
Variant type: single nucleotide variant.
Coding change: c.25C>T on transcript NM_001375.3 (MANE Select); coding-DNA position 25, C replaced by T.
Protein change: p.Leu9=; no amino-acid change (leucine 9 retained).
Molecular consequence: synonymous variant.
Genome position (GRCh38, 1-based): chr19:12,881,351, G>A on the plus strand (C>T on the coding strand, the complement: DNASE2 is on the minus strand). VCF-style: chr19-12881351-G-A. GRCh37 (hg19) VCF-style: chr19-12992165-G-A.
Identifiers: ClinVar variation 4984437 (VCV004984437.1).
Genomic context (GRCh38, chr19:12,881,351, plus strand): 5'-AGTCTACAGGCTGCCCGGAGTCCCCGTAGCAGGTCAGGGCCCCGGCGGGGACGCACAGCA[G>A]CGCTGCCAGCAGCAGCGGGATCATAGCTGCTATGGGGCTGAGATCCAGGAATCTGTGTCG-3'
Protein context (NP_001366.1, residues 1-19): MIPLLLAA[Leu9=]LCVPAGALTC